The following is an entry in ClinVar:

NM_001009944.3(PKD1):c.5783C>G (p.Pro1928Arg)

Gene: PKD1 (polycystin 1, transient receptor potential channel interacting; minus strand). Cytogenetic location: 16p13.3.
Variant type: single nucleotide variant.
Coding change: c.5783C>G on transcript NM_001009944.3 (MANE Select); coding-DNA position 5783, C replaced by G.
Protein change: p.Pro1928Arg; replaces proline 1928 with arginine.
Molecular consequence: missense variant.
Genome position (GRCh38, 1-based): chr16:2,109,384, G>C on the plus strand (C>G on the coding strand, the complement: PKD1 is on the minus strand). VCF-style: chr16-2109384-G-C. GRCh37 (hg19) VCF-style: chr16-2159385-G-C.
Other names: c.5783C>G (NM_001009944.2); c.5783C>G, p.Pro1928Arg (NM_000296.4); short protein forms P1928R.
Identifiers: ClinVar variation 1049583 (VCV001049583.42), dbSNP rs201991587, ClinGen allele CA7831859.

ClinVar aggregate classification (germline): Conflicting classifications of pathogenicity. Review status: criteria provided, conflicting classifications (1 of 4 stars). 10 submissions from 10 submitters: Uncertain significance (2); Likely benign (3). 5 of the submissions do not count toward it. Last evaluated 2026-05-05.

Conditions:
Hereditary ataxia. Also called: Hereditary Ataxias. Identifiers: Orphanet 183518, MedGen C0004138, MONDO:0100309, MONDO:0000557.
PKD1-related disorder. Also called: PKD1-related condition.
Autosomal dominant polycystic kidney disease. Identifiers: Orphanet 730, MedGen C0085413, MONDO:0004691.
Polycystic kidney disease, adult type (PKD1). Also called: Polycystic Kidney Disease 1, Autosomal Dominant; Polycystic kidney disease 1; Polycystic kidney disease 1, severe; POLYCYSTIC KIDNEY DISEASE, ADULT, TYPE I; Polycystic Kidney, Autosomal Dominant; POLYCYSTIC KIDNEY DISEASE 1 WITH OR WITHOUT POLYCYSTIC LIVER DISEASE. Identifiers: MedGen C3149841, MONDO:0008263, OMIM 173900.

Allele frequency attached by ClinVar (database versions not stated): gnomAD 0.00033 and 0.00035; gnomAD exomes 0.00034 and 0.00037; TOPMed 0.00034; ExAC 0.00039; 1000 Genomes Project 0.00040; ESP Exome Variant Server 0.00040; 1000 Genomes Project 30x 0.00062.
gnomAD v4.1: 547 of 1,597,582 alleles (0.034%); highest among the groups gnomAD compares: Middle Eastern, 0.066%; no homozygotes.

Submissions (10):

Women's Health and Genetics/Laboratory Corporation of America, LabCorp
Classification: Uncertain significance. Last evaluated: 2026-05-05. Review status: criteria provided, single submitter. Criteria: LabCorp Variant Classification Summary - May 2015. Collection method: clinical testing. Allele origin: germline.
Comment: Variant summary: PKD1 c.5783C>G (p.Pro1928Arg) results in a non-conservative amino acid change in the encoded protein sequence. Algorithms developed to predict the effect of missense changes on protein structure and function are either unavailable or do not agree on the potential impact of this missense change. The variant allele was found at a frequency of 0.00037 in 230850 control chromosomes (gnomAD). This frequency is not significantly higher than estimated for disease-causing variants in PKD1, allowing no conclusion about variant significance. c.5783C>G has been observed in one individual affected with Bardet-Biedl syndrome (Zacchia_2021). The report does not provide unequivocal conclusions about association of the variant with PKD1-related conditions. To our knowledge, no experimental evidence demonstrating an impact on protein function has been reported. The following publication have been ascertained in the context of this evaluation (PMID: 33964006). ClinVar contains an entry for this variant (Variation ID: 1049583). Based on the evidence outlined above, the variant was classified as uncertain significance.

Blueprint Genetics
Classification: Likely benign. Last evaluated: 2024-10-04. Review status: criteria provided, single submitter. Criteria: ACMG Guidelines, 2015. Collection method: clinical testing. Allele origin: germline.

CeGaT Center for Human Genetics Tuebingen
Classification: Likely benign. Last evaluated: 2023-07-01. Review status: criteria provided, single submitter. Criteria: CeGaT Center For Human Genetics Tuebingen Variant Classification Criteria Version 2. Collection method: clinical testing. Allele origin: germline. Affected: yes. Observed: 2 variant alleles.
Comment: PKD1: BP4, BS2

Fulgent Genetics
Classification: Likely benign for Polycystic kidney disease, adult type. Last evaluated: 2021-07-07. Review status: criteria provided, single submitter. Criteria: ACMG Guidelines, 2015. Collection method: clinical testing. Allele origin: unknown.

Cambridge Genomics Laboratory, East Genomic Laboratory Hub, NHS Genomic Medicine Service
Classification: Uncertain significance for Hereditary ataxia. Last evaluated: 2019-10-29. Review status: criteria provided, single submitter. Criteria: ACGS Best Practice Guidelines for Variant Classification in Rare Disease 2020. Collection method: clinical testing. Allele origin: germline. Affected: yes. Observed: 1 variant allele.

PreventionGenetics, part of Exact Sciences
Classification: Likely benign for PKD1-related condition. Last evaluated: 2024-03-08. Review status: no assertion criteria provided. Collection method: clinical testing. Allele origin: germline. Not counted in ClinVar's aggregate classification.
Comment: This variant is classified as likely benign based on ACMG/AMP sequence variant interpretation guidelines (Richards et al. 2015 PMID: 25741868, with internal and published modifications).

Genetic Services Laboratory, University of Chicago
Classification: Uncertain significance. Last evaluated: 2022-08-23. Review status: no assertion criteria provided. Collection method: clinical testing. Allele origin: germline. Affected: no. Not counted in ClinVar's aggregate classification.
Comment: DNA sequence analysis of the PKD1 gene demonstrated a sequence change, c.5783C>G, in exon 15 that results in an amino acid change, p.Pro1928Arg. This sequence change has been described in the gnomAD database with a frequency of 0.063% in the non-Finnish European subpopulation (dbSNP rs201991587). The p.Pro1928Arg change affects a poorly conserved amino acid residue located in a domain of the PKD1 protein that is known to be functional. In-silico pathogenicity prediction tools (SIFT, PolyPhen2, Align GVGD, REVEL) provide contradictory results for the p.Pro1928Arg substitution. This sequence change does not appear to have been previously described in individuals with PKD1-related disorders. Due to insufficient evidences and the lack of functional studies, the clinical significance of the p.Pro1928Arg change remains unknown at this time.

Department of Pathology and Laboratory Medicine, Sinai Health System
Classification: Uncertain significance for Autosomal dominant polycystic kidney disease. Review status: no assertion criteria provided. Collection method: clinical testing. Allele origin: unknown. Affected: yes. Study: The Canadian Open Genetics Repository (COGR). Not counted in ClinVar's aggregate classification.
Comment: The variant was identified in dbSNP (ID: rs201991587), but was not reported in ClinVar. The variant was identified in control databases in 92 of 262224 chromosomes at a frequency of 0.0003508, and was observed at the highest frequency in the European (non-Finnish) population in 76 of 121288 chromosomes (freq: 0.0006266) (Genome Aggregation Database March 6, 2019, v2.1.1). The p.P1928 residue is not conserved in mammals and computational analyses (MUT Assesor, PolyPhen-2, SIFT, MutationTaster, Revel, FATHMM, MetaLR, DANN) do not suggest a high likelihood of impact to the protein; this information is not very predictive of pathogenicity. The variant occurs outside of the splicing consensus sequence and in silico or computational prediction software programs (Splice AI exome) do not predict a difference in splicing. In summary, based on the above information the clinical significance of this variant cannot be determined with certainty at this time. This variant is classified as a variant of uncertain significance.

Genome Diagnostics Laboratory, University Medical Center Utrecht
Classification: Likely benign. Review status: no assertion criteria provided. Collection method: clinical testing. Allele origin: germline. Affected: yes. Study: VKGL Data-share Consensus. Not counted in ClinVar's aggregate classification.

Laboratory of Diagnostic Genome Analysis, Leiden University Medical Center (LUMC)
Classification: Likely benign. Review status: no assertion criteria provided. Collection method: clinical testing. Allele origin: germline. Affected: yes. Study: VKGL Data-share Consensus. Not counted in ClinVar's aggregate classification.

Literature cited by the submitters: PubMed 33964006 (cited by Women's Health and Genetics/Laboratory Corporation of America, LabCorp).